The following is an entry in ClinVar:

ClinVar aggregate classification (germline): Likely benign (1 of 4 stars; one submission).

Submission:

Women's Health and Genetics/Laboratory Corporation of America, LabCorp
Classification: Likely benign. Last evaluated: 2026-02-12. Review status: criteria provided, single submitter. Criteria: LabCorp Variant Classification Summary - May 2015. Collection method: clinical testing. Allele origin: germline.
Comment: Variant summary: RFX5 c.116+7A>G alters a nucleotide located at a position not widely known to affect splicing. Consensus agreement among computation tools predict no significant impact on normal splicing. However, these predictions have yet to be confirmed by functional studies. The variant was absent in 251474 control chromosomes. The available data on variant occurrences in the general population are insufficient to allow any conclusion about variant significance. To our knowledge, no occurrence of c.116+7A>G in individuals affected with RFX5-related conditions and no experimental evidence demonstrating its impact on protein function have been reported. No submitters have cited clinical-significance assessments for this variant to ClinVar. Based on the evidence outlined above, the variant was classified as likely benign.

NM_001025603.2(RFX5):c.116+7A>G

Gene: RFX5 (regulatory factor X5; minus strand). Cytogenetic location: 1q21.3.
Variant type: single nucleotide variant.
Coding change: c.116+7A>G on transcript NM_001025603.2 (MANE Select); 7 bases into the intron after coding-DNA position 116, A replaced by G.
Molecular consequence: intron variant.
Genome position (GRCh38, 1-based): chr1:151,346,198, T>C on the plus strand (A>G on the coding strand, the complement: RFX5 is on the minus strand). VCF-style: chr1-151346198-T-C. GRCh37 (hg19) VCF-style: chr1-151318674-T-C.
Other names: c.116+7A>G (NM_001379419.1, NM_000449.4, NM_001379413.1 and 7 more transcripts).
Identifiers: ClinVar variation 4847869 (VCV004847869.1).
Genomic context (GRCh38, chr1:151,346,198, plus strand): 5'-AAGTGAAGTGCTGCAGGGATCTATACTCAGGTCTTGGACAGGACTTGGAGATGTGATGAG[T>C]ACTTACGAAATGGTACCTCGGAGCCTCTGAAGAAGGGTGGTAGGTTCCCCAGCCTCAGCA-3'